The following is an entry in ClinVar:

ClinVar aggregate classification (germline): Uncertain significance (1 of 4 stars; one submission).

Conditions:
Jeune thoracic dystrophy. Also called: Short-rib thoracic dysplasia; Jeune syndrome; Infantile thoracic dystrophy; Thoracic pelvic phalangeal dystrophy; Jeune's syndrome; Chondroectodermal dysplasia-like syndrome. Identifiers: Orphanet 474, MedGen C0265275, MONDO:0018770.

Allele frequency attached by ClinVar (database versions not stated): gnomAD exomes below 0.00001; TOPMed below 0.00001; ExAC 0.00001; ESP Exome Variant Server 0.00008.
gnomAD v4.1: 1 of 1,601,892 alleles (0.000062%); highest among the groups gnomAD compares: African/African-American, 0.0013%; no homozygotes.

Submission:

Labcorp Genetics (formerly Invitae), Labcorp
Classification: Uncertain significance for Jeune thoracic dystrophy. Last evaluated: 2021-08-31. Review status: criteria provided, single submitter. Criteria: Invitae Variant Classification Sherloc (09022015). Collection method: clinical testing. Allele origin: germline.
Comment: This sequence change replaces isoleucine with threonine at codon 1829 of the DYNC2H1 protein (p.Ile1829Thr). The isoleucine residue is highly conserved and there is a moderate physicochemical difference between isoleucine and threonine. This variant is present in population databases (rs367807679, ExAC 0.01%). This variant has not been reported in the literature in individuals affected with DYNC2H1-related conditions. Algorithms developed to predict the effect of missense changes on protein structure and function (SIFT, PolyPhen-2, Align-GVGD) all suggest that this variant is likely to be disruptive. In summary, the available evidence is currently insufficient to determine the role of this variant in disease. Therefore, it has been classified as a Variant of Uncertain Significance.

NM_001377.3(DYNC2H1):c.5486T>C (p.Ile1829Thr)

Gene: DYNC2H1 (dynein cytoplasmic 2 heavy chain 1; plus strand). Cytogenetic location: 11q22.3.
Variant type: single nucleotide variant.
Coding change: c.5486T>C on transcript NM_001377.3 (MANE Select); coding-DNA position 5486, T replaced by C.
Protein change: p.Ile1829Thr; replaces isoleucine 1829 with threonine.
Molecular consequence: missense variant.
Genome position (GRCh38, 1-based): chr11:103,173,233, T>C. VCF-style: chr11-103173233-T-C. GRCh37 (hg19) VCF-style: chr11-103043962-T-C.
Other names: c.5486T>C, p.Ile1829Thr (NM_001080463.2); short protein forms I1829T.
Identifiers: ClinVar variation 946620 (VCV000946620.7), dbSNP rs367807679, ClinGen allele CA6253770.
Genomic context (GRCh38, chr11:103,173,233, plus strand): 5'-AACAGCTTTTCAGGCCCGTAGCTATGTCTCATCCAGACAATGAGCTTATTGCAGAAGTTA[T>C]TCTCTATTCGGAAGGCTTTAAAGACGCTAAAGTATTGAGCAGAAAATTGGTAGCTATTTT-3'
Protein context (NP_001368.2, residues 1819-1839): HPDNELIAEV[Ile1829Thr]LYSEGFKDAK